The following is an entry in ClinVar:

NM_001369.3(DNAH5):c.1255del (p.Ser419fs)

Gene: DNAH5 (dynein axonemal heavy chain 5; minus strand). Cytogenetic location: 5p15.2.
Variant type: Deletion.
Coding change: c.1255del on transcript NM_001369.3 (MANE Select); coding-DNA position 1255, one base deleted (T; older notation c.1255delT).
Protein change: p.Ser419fs; shifts the reading frame from serine 419.
Molecular consequence: frameshift variant.
Genome position (GRCh38, 1-based): chr5:13,914,585, A deleted on the plus strand (T on the coding strand, the reverse complement: DNAH5 is on the minus strand); the first of 2 consecutive A bases (chr5:13,914,585-13,914,586); deleting either gives the same sequence. VCF-style (leftmost placement, unchanged base first): chr5-13914584-GA-G. GRCh37 (hg19) VCF-style: chr5-13914693-GA-G.
Other names: short protein forms S419fs.
Identifiers: ClinVar variation 2884121 (VCV002884121.6), dbSNP rs2547129637, ClinGen allele CA2673280357.
Genomic context (GRCh38, chr5:13,914,584, plus strand): 5'-TTCAGTTTAATCGCAGATAGTATTTTTTCTTCAACAACATCCTGTGGCTGGTTCCAGATG[GA>G]AGCGGTTCCATTATTGGTAATATAGGCTTTACATGCAGATATAATCTGATTTGTCACCTG-3'

ClinVar aggregate classification (germline): Pathogenic/Likely pathogenic. Review status: criteria provided, multiple submitters, no conflicts (2 of 4 stars). 2 submissions from 2 submitters: Pathogenic (1); Likely pathogenic (1). Last evaluated 2023-06-02.

Conditions:
Primary ciliary dyskinesia. Also called: Ciliary dyskinesia. Identifiers: Orphanet 244, MedGen C0008780, MONDO:0016575, HP:0012265.
Primary ciliary dyskinesia 3. Identifiers: Orphanet 244, MedGen C1837618, MONDO:0012085, OMIM 608644.

Submissions (2):

Neuberg Centre For Genomic Medicine, NCGM
Classification: Likely pathogenic for Primary ciliary dyskinesia 3. Last evaluated: 2023-06-02. Review status: criteria provided, single submitter. Criteria: ACMG Guidelines, 2015. Collection method: clinical testing. Allele origin: germline. Inheritance: Autosomal recessive inheritance. Affected: yes.
Comment: The observed frameshift c.1255del (p.Ser419ProfsTer20) variant in DNAH5 gene has not been previously reported as pathogenic variant nor as a benign variant, to our knowledge. The p.Ser419ProfsTer20 variant is absent in gnomAD Exomes. This variant has not been submitted to the ClinVar database. This variant causes a frameshift starting with codon Serine 419, changes this amino acid to Proline residue, and creates a premature Stop codon at position 20 of the new reading frame, denoted p.Ser419ProfsTer20. This variant is predicted to cause loss of normal protein function through protein truncation. Loss of function variants in DNAH5 gene have been previously reported to be disease causing (Wang et al., 2021). For these reasons, this variant has been classified as Likely Pathogenic.

Labcorp Genetics (formerly Invitae), Labcorp
Classification: Pathogenic for Primary ciliary dyskinesia. Last evaluated: 2023-03-27. Review status: criteria provided, single submitter. Criteria: Invitae Variant Classification Sherloc (09022015). Collection method: clinical testing. Allele origin: germline.
Comment: This sequence change creates a premature translational stop signal (p.Ser419Profs*20) in the DNAH5 gene. It is expected to result in an absent or disrupted protein product. Loss-of-function variants in DNAH5 are known to be pathogenic (PMID: 11788826, 16627867). This variant is not present in population databases (gnomAD no frequency). This variant has not been reported in the literature in individuals affected with DNAH5-related conditions. For these reasons, this variant has been classified as Pathogenic.

Literature cited by the submitters: PubMed 11788826 (cited by Labcorp Genetics (formerly Invitae), Labcorp); PubMed 16627867 (cited by Labcorp Genetics (formerly Invitae), Labcorp).